The following is an entry in ClinVar:

ClinVar aggregate classification (germline): Uncertain significance. Review status: criteria provided, multiple submitters, no conflicts (2 of 4 stars). 2 submissions from 2 submitters: Uncertain significance (2). Last evaluated 2024-03-15.

Submissions (2):

Mayo Clinic Laboratories, Mayo Clinic
Classification: Uncertain significance. Last evaluated: 2024-03-15. Review status: criteria provided, single submitter. Criteria: ACMG Guidelines, 2015. Collection method: clinical testing. Allele origin: germline. Observed: 1 variant allele.
Comment: BP4, PM2

GeneDx
Classification: Uncertain significance. Last evaluated: 2024-02-28. Review status: criteria provided, single submitter. Criteria: GeneDx Variant Classification Process June 2021. Collection method: clinical testing. Allele origin: germline. Affected: yes.
Comment: Not observed at significant frequency in large population cohorts (gnomAD); In silico analysis supports that this missense variant has a deleterious effect on protein structure/function; Has not been previously published as pathogenic or benign to our knowledge

NM_001258392.3(CLPB):c.917G>T (p.Arg306Leu)

Gene: CLPB (ClpB family mitochondrial disaggregase; minus strand). Cytogenetic location: 11q13.4.
Variant type: single nucleotide variant.
Coding change: c.917G>T on transcript NM_001258392.3 (MANE Select); coding-DNA position 917, G replaced by T.
Protein change: p.Arg306Leu; replaces arginine 306 with leucine.
Molecular consequence: missense variant.
Genome position (GRCh38, 1-based): chr11:72,317,177, C>A on the plus strand (G>T on the coding strand, the complement: CLPB is on the minus strand). VCF-style: chr11-72317177-C-A. GRCh37 (hg19) VCF-style: chr11-72028221-C-A.
Other names: p.Arg336Leu; c.830G>T, p.Arg277Leu (NM_001258393.3); c.872G>T, p.Arg291Leu (NM_001258394.3); c.1007G>T, p.Arg336Leu (NM_030813.6); short protein forms R277L, R291L, R306L, R336L.
Identifiers: ClinVar variation 3373423 (VCV003373423.2).
Genomic context (GRCh38, chr11:72,317,177, plus strand): 5'-GTGGCGATGGCGCTCTCCTGGCCAATGATGTGCTCCTTTAGTCGCTGCTCCAGGGGGAAG[C>A]GGCGCCGCTCCTCAGCCTCACGCTTCCGCTGCTTCTCTTGGTACTGTGGGGAGAGAGGGC-3'
Protein context (NP_001245321.1, residues 296-316): QRKREAEERR[Arg306Leu]FPLEQRLKEH